The following is an entry in ClinVar:

ClinVar aggregate classification (germline): Uncertain significance (1 of 4 stars; one submission).

Submission:

GeneDx
Classification: Uncertain significance. Last evaluated: 2022-07-22. Review status: criteria provided, single submitter. Criteria: GeneDx Variant Classification Process June 2021. Collection method: clinical testing. Allele origin: germline. Affected: yes.
Comment: Not observed at significant frequency in large population cohorts (gnomAD); In silico analysis supports that this missense variant has a deleterious effect on protein structure/function; Has not been previously published as pathogenic or benign to our knowledge

NM_001291415.2(KDM6A):c.2987A>G (p.Tyr996Cys)

Gene: KDM6A (lysine demethylase 6A; plus strand). Cytogenetic location: Xp11.3.
Variant type: single nucleotide variant.
Coding change: c.2987A>G on transcript NM_001291415.2 (MANE Select); coding-DNA position 2987, A replaced by G.
Protein change: p.Tyr996Cys; replaces tyrosine 996 with cysteine.
Molecular consequence: missense variant. On other transcripts: non-coding transcript variant (1).
Genome position (GRCh38, 1-based): chrX:45,076,825, A>G. VCF-style: chrX-45076825-A-G. GRCh37 (hg19) VCF-style: chrX-44936070-A-G.
Other names: c.2852A>G, p.Tyr951Cys (NM_001291416.2); c.2696A>G, p.Tyr899Cys (NM_001291417.2); c.2594A>G, p.Tyr865Cys (NM_001291418.2); c.1943A>G, p.Tyr648Cys (NM_001291421.2); c.2729A>G, p.Tyr910Cys (NM_001410742.1); c.2831A>G, p.Tyr944Cys (NM_021140.4); short protein forms Y944C, Y996C, Y899C, Y910C, Y951C, Y648C, Y865C.
Identifiers: ClinVar variation 2136033 (VCV002136033.1), dbSNP rs2523118249, ClinGen allele CA412799344.